The following is an entry in ClinVar:

NM_003265.3(TLR3):c.1774G>A (p.Asp592Asn)

Gene: TLR3 (toll like receptor 3; plus strand). Cytogenetic location: 4q35.1.
Variant type: single nucleotide variant.
Coding change: c.1774G>A on transcript NM_003265.3 (MANE Select); coding-DNA position 1774, G replaced by A.
Protein change: p.Asp592Asn; replaces aspartic acid 592 with asparagine.
Molecular consequence: missense variant.
Genome position (GRCh38, 1-based): chr4:186,083,460, G>A. VCF-style: chr4-186083460-G-A. GRCh37 (hg19) VCF-style: chr4-187004614-G-A.
Other names: short protein forms D592N.
Identifiers: ClinVar variation 641316 (VCV000641316.9), dbSNP rs184426724, ClinGen allele CA3161474.

ClinVar aggregate classification (germline): Uncertain significance (1 of 4 stars; one submission).

Conditions:
Encephalopathy, acute, infection-induced (herpes-specific), susceptibility to, 1. Also called: Herpes simplex encephalitis, susceptibility to, 1. Identifiers: Orphanet 1930, MedGen C2750180, MONDO:0024563, OMIM 610551.

Allele frequency attached by ClinVar (database versions not stated): gnomAD 0.00002 and 0.00001; 1000 Genomes Project 30x 0.00016; ExAC 0.00012; gnomAD exomes 0.00007; ESP Exome Variant Server 0.00008; TOPMed 0.00002; 1000 Genomes Project 0.00040.
gnomAD v4.1: 32 of 1,609,404 alleles (0.002%); highest among the groups gnomAD compares: Admixed American, 0.022%; no homozygotes.

Submission:

Labcorp Genetics (formerly Invitae), Labcorp
Classification: Uncertain significance for Encephalopathy, acute, infection-induced (herpes-specific), susceptibility to, 1. Last evaluated: 2026-01-06. Review status: criteria provided, single submitter. Criteria: Invitae Variant Classification Sherloc (09022015). Collection method: clinical testing. Allele origin: germline.
Comment: This sequence change replaces aspartic acid, which is acidic and polar, with asparagine, which is neutral and polar, at codon 592 of the TLR3 protein (p.Asp592Asn). This variant is present in population databases (rs184426724, gnomAD 0.02%). This missense change has been observed in individual(s) with herpes simplex encephalitis (PMID: 25339207). ClinVar contains an entry for this variant (Variation ID: 641316). An algorithm developed to predict the effect of missense changes on protein structure and function outputs the following: PolyPhen-2: "Benign". The asparagine amino acid residue is found in multiple mammalian species, which suggests that this missense change does not adversely affect protein function. Experimental studies have shown that this missense change does not substantially affect TLR3 function (PMID: 25339207). In summary, the available evidence is currently insufficient to determine the role of this variant in disease. Therefore, it has been classified as a Variant of Uncertain Significance.

Literature cited by the submitters: PubMed 25339207.